The following is an entry in ClinVar:

NM_006567.5(FARS2):c.545A>G (p.Gln182Arg)

Genes: FARS2 (phenylalanyl-tRNA synthetase 2, mitochondrial; plus strand), LOC126859565 (CDK7 strongly-dependent group 2 enhancer GRCh37_chr6:5368745-5369944; plus strand). Cytogenetic location: 6p25.1.
Variant type: single nucleotide variant.
Coding change: c.545A>G on transcript NM_006567.5 (MANE Select); coding-DNA position 545, A replaced by G.
Protein change: p.Gln182Arg; replaces glutamine 182 with arginine.
Molecular consequence: missense variant. On other transcripts: intron variant (2).
Genome position (GRCh38, 1-based): chr6:5,369,115, A>G. VCF-style: chr6-5369115-A-G. GRCh37 (hg19) VCF-style: chr6-5369348-A-G.
Other names: c.545A>G, p.Gln182Arg (NM_001318872.2, NM_001374875.1, NM_001374876.1 and 5 more transcripts); c.-340-27518A>G (NM_001375260.1); c.-84-35427A>G (NM_001375259.1); short protein forms Q182R.
Identifiers: ClinVar variation 665020 (VCV000665020.8), dbSNP rs543217289, ClinGen allele CA3623670.
Genomic context (GRCh38, chr6:5,369,115, plus strand): 5'-ACTTGCTGCACGCGGGACTGGATGCCTTCCTGGTGGTGGGTGATGTCTACAGGCGTGACC[A>G]GATCGACTCCCAGCACTACCCTATTTTCCACCAGCTGGAGGCCGTGCGGCTCTTCTCCAA-3'
Protein context (NP_006558.1, residues 172-192): LVVGDVYRRD[Gln182Arg]IDSQHYPIFH

ClinVar aggregate classification (germline): Uncertain significance (1 of 4 stars; one submission).

Conditions:
Combined oxidative phosphorylation defect type 14. Also called: Combined oxidative phosphorylation deficiency 14. Identifiers: Orphanet 319519, MedGen C4755312, MONDO:0013986, OMIM 614946.

Allele frequency attached by ClinVar (database versions not stated): gnomAD exomes below 0.00001 and 0.00001; ExAC 0.00002; TOPMed 0.00002; gnomAD 0.00004; 1000 Genomes Project 0.00020; 1000 Genomes Project 30x 0.00031.
gnomAD v4.1: 8 of 1,613,476 alleles (0.0005%); highest among the groups gnomAD compares: African/African-American, 0.0093%; no homozygotes.

Submission:

Labcorp Genetics (formerly Invitae), Labcorp
Classification: Uncertain significance for Combined oxidative phosphorylation defect type 14. Last evaluated: 2022-08-06. Review status: criteria provided, single submitter. Criteria: Invitae Variant Classification Sherloc (09022015). Collection method: clinical testing. Allele origin: germline.
Comment: This sequence change replaces glutamine, which is neutral and polar, with arginine, which is basic and polar, at codon 182 of the FARS2 protein (p.Gln182Arg). This variant is present in population databases (rs543217289, gnomAD 0.01%). This variant has not been reported in the literature in individuals affected with FARS2-related conditions. ClinVar contains an entry for this variant (Variation ID: 665020). Advanced modeling of protein sequence and biophysical properties (such as structural, functional, and spatial information, amino acid conservation, physicochemical variation, residue mobility, and thermodynamic stability) performed at Invitae indicates that this missense variant is not expected to disrupt FARS2 protein function. In summary, the available evidence is currently insufficient to determine the role of this variant in disease. Therefore, it has been classified as a Variant of Uncertain Significance.